The following is an entry in ClinVar:

ClinVar aggregate classification (germline): Pathogenic (1 of 4 stars; one submission).

Submission:

Labcorp Genetics (formerly Invitae), Labcorp
Classification: Pathogenic. Last evaluated: 2022-12-12. Review status: criteria provided, single submitter. Criteria: Invitae Variant Classification Sherloc (09022015). Collection method: clinical testing. Allele origin: germline.
Comment: This sequence change creates a premature translational stop signal (p.Cys677*) in the ABCC8 gene. It is expected to result in an absent or disrupted protein product. Loss-of-function variants in ABCC8 are known to be pathogenic (PMID: 20685672, 23345197). This variant is not present in population databases (gnomAD no frequency). This variant has not been reported in the literature in individuals affected with ABCC8-related conditions. For these reasons, this variant has been classified as Pathogenic.

Literature cited by the submitters: PubMed 20685672; PubMed 23345197.

NM_000352.6(ABCC8):c.2031C>A (p.Cys677Ter)

Gene: ABCC8 (ATP binding cassette subfamily C member 8; minus strand). Cytogenetic location: 11p15.1.
Variant type: single nucleotide variant.
Coding change: c.2031C>A on transcript NM_000352.6 (MANE Select); coding-DNA position 2031, C replaced by A.
Protein change: p.Cys677Ter; replaces cysteine 677 with a stop codon.
Molecular consequence: nonsense. On other transcripts: non-coding transcript variant (1).
Genome position (GRCh38, 1-based): chr11:17,428,298, G>T on the plus strand (C>A on the coding strand, the complement: ABCC8 is on the minus strand). VCF-style: chr11-17428298-G-T. GRCh37 (hg19) VCF-style: chr11-17449845-G-T.
Other names: c.2031C>A, p.Cys677Ter (NM_001287174.3); c.2097C>A, p.Cys699Ter (NM_001351295.2); c.2028C>A, p.Cys676Ter (NM_001351296.2, NM_001351297.2); short protein forms C699*, C676*, C677*.
Identifiers: ClinVar variation 2818823 (VCV002818823.3), dbSNP rs1955681356, ClinGen allele CA379815077.